The following is an entry in ClinVar:

NM_015662.3(IFT172):c.3769C>T (p.Leu1257=)

Genes: IFT172 (intraflagellar transport 172; minus strand), LOC126806173 (BRD4-independent group 4 enhancer GRCh37_chr2:27676057-27677256; plus strand). Cytogenetic location: 2p23.3.
Variant type: single nucleotide variant.
Coding change: c.3769C>T on transcript NM_015662.3 (MANE Select); coding-DNA position 3769, C replaced by T.
Protein change: p.Leu1257=; no amino-acid change (leucine 1257 retained).
Molecular consequence: synonymous variant.
Genome position (GRCh38, 1-based): chr2:27,453,682, G>A on the plus strand (C>T on the coding strand, the complement: IFT172 is on the minus strand). VCF-style: chr2-27453682-G-A. GRCh37 (hg19) VCF-style: chr2-27676549-G-A.
Identifiers: ClinVar variation 1305227 (VCV001305227.12), dbSNP rs373382907, ClinGen allele CA1579867.

ClinVar aggregate classification (germline): Conflicting classifications of pathogenicity. Review status: criteria provided, conflicting classifications (1 of 4 stars). 3 submissions from 3 submitters: Uncertain significance (1); Likely benign (1). 1 of the submissions does not count toward it. Last evaluated 2024-08-21.

Conditions:
IFT172-related disorder. Also called: IFT172-related condition; IFT172-related disorders.
Short-rib thoracic dysplasia 10 with or without polydactyly (SRTD10). Identifiers: Orphanet 474, MedGen C3810175, MONDO:0014284, OMIM 615630.
Retinitis pigmentosa 71 (RP71). Identifiers: Orphanet 791, MedGen C4225342, MONDO:0014618, OMIM 616394.

Allele frequency attached by ClinVar (database versions not stated): ExAC 0.00001; gnomAD exomes 0.00001 and 0.00002.
gnomAD v4.1: 38 of 1,612,304 alleles (0.0024%); highest among the groups gnomAD compares: Non-Finnish European, 0.0032%; no homozygotes.

Submissions (3):

Labcorp Genetics (formerly Invitae), Labcorp
Classification: Likely benign for Retinitis pigmentosa 71; Short-rib thoracic dysplasia 10 with or without polydactyly. Last evaluated: 2024-08-21. Review status: criteria provided, single submitter. Criteria: Invitae Variant Classification Sherloc (09022015). Collection method: clinical testing. Allele origin: germline.

GeneDx
Classification: Uncertain significance. Last evaluated: 2021-11-19. Review status: criteria provided, single submitter. Criteria: GeneDx Variant Classification Process June 2021. Collection method: clinical testing. Allele origin: germline. Affected: yes.
Comment: Not observed at significant frequency in large population cohorts (Lek et al., 2016); In silico analysis supports that this variant does not alter splicing; Has not been previously published as pathogenic or benign to our knowledge

PreventionGenetics, part of Exact Sciences
Classification: Likely benign for IFT172-related condition. Last evaluated: 2022-01-26. Review status: no assertion criteria provided. Collection method: clinical testing. Allele origin: germline. Not counted in ClinVar's aggregate classification.
Comment: This variant is classified as likely benign based on ACMG/AMP sequence variant interpretation guidelines (Richards et al. 2015 PMID: 25741868, with internal and published modifications).